The following is an entry in ClinVar:

ClinVar aggregate classification (germline): Likely pathogenic (1 of 4 stars; one submission).

Conditions:
Platelet-type bleeding disorder 10. Also called: CD36 DEFICIENCY. Identifiers: MedGen C1842090, MONDO:0012031, OMIM 608404.

Submission:

Juno Genomics, Hangzhou Juno Genomics, Inc
Classification: Likely pathogenic for Platelet-type bleeding disorder 10. Review status: criteria provided, single submitter. Criteria: ACMG Guidelines, 2015. Collection method: clinical testing. Allele origin: germline.
Comment: Null variant in a gene where loss of function (LOF) is a known mechanism of disease.;Absent from controls (or at extremely low frequency if recessive) in Genome Aggregation Database.

NM_001001548.3(CD36):c.1208_1250dup (p.Asn417delinsLysGluSerGluGluGluLeuTyrCysAlaTyrSerLeuAlaTer)

Gene: CD36 (CD36 molecule (CD36 blood group); plus strand). Cytogenetic location: 7q21.11.
Variant type: Duplication.
Coding change: c.1208_1250dup on transcript NM_001001548.3 (MANE Select); coding-DNA positions 1208 to 1250, 43 bases duplicated.
Protein change: p.Asn417delinsLysGluSerGluGluGluLeuTyrCysAlaTyrSerLeuAlaTer.
Molecular consequence: nonsense. On other transcripts: non-coding transcript variant (1).
Genome position (GRCh38, 1-based): chr7:80,673,363-80,673,405, 43 bases duplicated; duplicating any 43 consecutive bases within chr7:80,673,359-80,673,405 gives the same sequence; the c. name uses the placement nearest the transcript's 3' end. GRCh37 (hg19): chr7:80,302,679-80,302,721.
Other names: c.1208_1250dup, p.Asn417delinsLysGluSerGluGluGluLeuTyrCysAlaTyrSerLeuAlaTer (NM_000072.3, NM_001001547.3, NM_001127443.2 and 5 more transcripts); c.1091_1133dup, p.Asn378delinsLysGluSerGluGluGluLeuTyrCysAlaTyrSerLeuAlaTer (NM_001289908.1); c.1028_1070dup, p.Asn357delinsLysGluSerGluGluGluLeuTyrCysAlaTyrSerLeuAlaTer (NM_001289909.1); c.980_1022dup, p.Asn341delinsLysGluSerGluGluGluLeuTyrCysAlaTyrSerLeuAlaTer (NM_001289911.2); c.1106_1148dup, p.Asn383delinsLysGluSerGluGluGluLeuTyrCysAlaTyrSerLeuAlaTer (NM_001371079.1); c.743_785dup, p.Asn262delinsLysGluSerGluGluGluLeuTyrCysAlaTyrSerLeuAlaTer (NM_001371080.1, NM_001371081.1).
Identifiers: ClinVar variation 5007229 (VCV005007229.2).